The following is an entry in ClinVar:

ClinVar aggregate classification (germline): Uncertain significance (1 of 4 stars; one submission).

Conditions:
Cardiovascular phenotype. Identifiers: MedGen CN230736.

gnomAD v4.1: 6 of 1,613,690 alleles (0.00037%); highest among the groups gnomAD compares: South Asian, 0.0011%; no homozygotes.

Submission:

Ambry Genetics
Classification: Uncertain significance for Cardiovascular phenotype. Last evaluated: 2025-11-24. Review status: criteria provided, single submitter. Criteria: Ambry Variant Classification Scheme 2023. Collection method: clinical testing. Allele origin: germline.
Comment: The p.A476T variant (also known as c.1426G>A), located in coding exon 9 of the FLNC gene, results from a G to A substitution at nucleotide position 1426. The alanine at codon 476 is replaced by threonine, an amino acid with similar properties. This amino acid position is conserved. In addition, the in silico prediction for this alteration is inconclusive. Based on the available evidence, the clinical significance of this variant remains unclear.

NM_001458.5(FLNC):c.1426G>A (p.Ala476Thr)

Gene: FLNC (filamin C; plus strand). Cytogenetic location: 7q32.1.
Variant type: single nucleotide variant.
Coding change: c.1426G>A on transcript NM_001458.5 (MANE Select); coding-DNA position 1426, G replaced by A.
Protein change: p.Ala476Thr; replaces alanine 476 with threonine.
Molecular consequence: missense variant.
Genome position (GRCh38, 1-based): chr7:128,840,037, G>A. VCF-style: chr7-128840037-G-A. GRCh37 (hg19) VCF-style: chr7-128480091-G-A.
Other names: c.1426G>A, p.Ala476Thr (NM_001127487.2); short protein forms A476T.
Identifiers: ClinVar variation 4614203 (VCV004614203.1).